The following is an entry in ClinVar:

NM_015559.3(SETBP1):c.3211del (p.Ala1071fs)

Gene: SETBP1 (SET binding protein 1; plus strand). Cytogenetic location: 18q12.3.
Variant type: Deletion.
Coding change: c.3211del on transcript NM_015559.3 (MANE Select); coding-DNA position 3211, one base deleted (G; older notation c.3211delG).
Protein change: p.Ala1071fs; shifts the reading frame from alanine 1071.
Molecular consequence: frameshift variant.
Genome position (GRCh38, 1-based): chr18:44,952,551, G deleted. VCF-style (leftmost placement, unchanged base first): chr18-44952550-AG-A. GRCh37 (hg19) VCF-style: chr18-42532515-AG-A.
Other names: c.3211del, p.Ala1071fs (NM_001379141.1, NM_001379142.1, NM_001410862.1); c.3211delG (NM_015559.3); short protein forms A1071fs.
Identifiers: ClinVar variation 3384989 (VCV003384989.2).

ClinVar aggregate classification (germline): Pathogenic. Review status: criteria provided, multiple submitters, no conflicts (2 of 4 stars). 2 submissions from 2 submitters: Pathogenic (2). Last evaluated 2025-02-25.

Conditions:
SETBP1-related disorder. Also called: SETBP1-related condition; SETBP1-related disorders.

Submissions (2):

Labcorp Genetics (formerly Invitae), Labcorp
Classification: Pathogenic. Last evaluated: 2025-02-25. Review status: criteria provided, single submitter. Criteria: Invitae Variant Classification Sherloc (09022015). Collection method: clinical testing. Allele origin: germline.
Comment: This sequence change creates a premature translational stop signal (p.Ala1071Leufs*16) in the SETBP1 gene. It is expected to result in an absent or disrupted protein product. Loss-of-function variants in SETBP1 are known to be pathogenic (PMID: 21037274, 25217958). This variant is not present in population databases (gnomAD no frequency). This variant has not been reported in the literature in individuals affected with SETBP1-related conditions. ClinVar contains an entry for this variant (Variation ID: 3384989). For these reasons, this variant has been classified as Pathogenic.

Women's Health and Genetics/Laboratory Corporation of America, LabCorp
Classification: Pathogenic for SETBP1-Related Disorders. Last evaluated: 2024-10-28. Review status: criteria provided, single submitter. Criteria: LabCorp Variant Classification Summary - May 2015. Collection method: clinical testing. Allele origin: germline.
Comment: Variant summary: SETBP1 c.3211delG (p.Ala1071LeufsX16) results in a premature termination codon, predicted to cause a truncation of the encoded protein or absence of the protein due to nonsense mediated decay, which are commonly known mechanisms for disease. The variant was absent in 251082 control chromosomes. To our knowledge, no occurrence of c.3211delG in individuals affected with SETBP1-Related Disorders and no experimental evidence demonstrating its impact on protein function have been reported. No submitters have cited clinical-significance assessments for this variant to ClinVar. Based on the evidence outlined above, the variant was classified as pathogenic.

Literature cited by the submitters: PubMed 21037274 (cited by Labcorp Genetics (formerly Invitae), Labcorp); PubMed 25217958 (cited by Labcorp Genetics (formerly Invitae), Labcorp).